The following is an entry in ClinVar:

ClinVar aggregate classification (germline): Uncertain significance (1 of 4 stars; one submission).

Conditions:
Inborn genetic diseases. Identifiers: MedGen C0950123, MeSH D030342.

gnomAD v4.1: 1 of 1,608,116 alleles (0.000062%); highest among the groups gnomAD compares: Non-Finnish European, 0.000085%; no homozygotes.

Submission:

Ambry Genetics
Classification: Uncertain significance for Inborn genetic diseases. Last evaluated: 2024-11-14. Review status: criteria provided, single submitter. Criteria: Ambry Variant Classification Scheme 2023. Collection method: clinical testing. Allele origin: germline.
Comment: The p.P1914L variant (also known as c.5741C>T), located in coding exon 34 of the ATR gene, results from a C to T substitution at nucleotide position 5741. The proline at codon 1914 is replaced by leucine, an amino acid with similar properties. This amino acid position is conserved. In addition, this alteration is predicted to be tolerated by in silico analysis. Based on the available evidence, the clinical significance of this variant remains unclear.

NM_001184.4(ATR):c.5741C>T (p.Pro1914Leu)

Gene: ATR (ATR serine/threonine kinase; minus strand). Cytogenetic location: 3q23.
Variant type: single nucleotide variant.
Coding change: c.5741C>T on transcript NM_001184.4 (MANE Select); coding-DNA position 5741, C replaced by T.
Protein change: p.Pro1914Leu; replaces proline 1914 with leucine.
Molecular consequence: missense variant.
Genome position (GRCh38, 1-based): chr3:142,496,518, G>A on the plus strand (C>T on the coding strand, the complement: ATR is on the minus strand). VCF-style: chr3-142496518-G-A. GRCh37 (hg19) VCF-style: chr3-142215360-G-A.
Other names: c.5549C>T, p.Pro1850Leu (NM_001354579.2); short protein forms P1850L, P1914L.
Identifiers: ClinVar variation 3461804 (VCV003461804.1).
Genomic context (GRCh38, chr3:142,496,518, plus strand): 5'-GCCTTTCTAGCTACCCTGGCACTCTGCAGCCAGCATTCTCCAACCATTTCATTGTAATCT[G>A]GTCTAAAGGAAGTAACAACACATTGGTGAGAGAGACCATTGGTAAGTGTACACAACAACT-3'
Protein context (NP_001175.2, residues 1904-1924): RRALLSLNKR[Pro1914Leu]DYNEMVGECW